The following is an entry in ClinVar:

NM_001199267.2(DGKZ):c.829-3C>T

Gene: DGKZ (diacylglycerol kinase zeta; plus strand). Cytogenetic location: 11p11.2.
Variant type: single nucleotide variant.
Coding change: c.829-3C>T on transcript NM_001199267.2 (MANE Select); 3 bases into the intron before coding-DNA position 829, C replaced by T.
Molecular consequence: intron variant.
Genome position (GRCh38, 1-based): chr11:46,372,072, C>T. VCF-style: chr11-46372072-C-T. GRCh37 (hg19) VCF-style: chr11-46393622-C-T.
Other names: c.880-3C>T (NM_201532.3); c.844-3C>T (NM_201533.3); c.832-3C>T (NM_001199266.2, NM_003646.4); c.763-3C>T (NM_001199268.2); c.1396-3C>T (NM_001105540.2).
Identifiers: ClinVar variation 1491969 (VCV001491969.6), dbSNP rs373459919, ClinGen allele CA5962630.

ClinVar aggregate classification (germline): Uncertain significance (1 of 4 stars; one submission).

Allele frequency attached by ClinVar (database versions not stated): gnomAD exomes below 0.00001 and 0.00004; gnomAD 0.00006 and 0.00007; TOPMed 0.00006; ESP Exome Variant Server 0.00008; ExAC 0.00010; 1000 Genomes Project 0.00040; 1000 Genomes Project 30x 0.00047.
gnomAD v4.1: 17 of 1,607,440 alleles (0.0011%); highest among the groups gnomAD compares: African/African-American, 0.016%; no homozygotes.

Submission:

Labcorp Genetics (formerly Invitae), Labcorp
Classification: Uncertain significance. Last evaluated: 2025-06-19. Review status: criteria provided, single submitter. Criteria: Invitae Variant Classification Sherloc (09022015). Collection method: clinical testing. Allele origin: germline.
Comment: This sequence change falls in intron 10 of the DGKZ gene. It does not directly change the encoded amino acid sequence of the DGKZ protein. It affects a nucleotide within the consensus splice site. This variant is present in population databases (rs373459919, gnomAD 0.04%). This variant has not been reported in the literature in individuals affected with DGKZ-related conditions. ClinVar contains an entry for this variant (Variation ID: 1491969). Variants that disrupt the consensus splice site are a relatively common cause of aberrant splicing (PMID: 17576681, 9536098). Algorithms developed to predict the effect of sequence changes on RNA splicing suggest that this variant is not likely to affect RNA splicing. In summary, the available evidence is currently insufficient to determine the role of this variant in disease. Therefore, it has been classified as a Variant of Uncertain Significance.

Literature cited by the submitters: PubMed 17576681; PubMed 9536098.